The following is an entry in ClinVar:

NM_000038.6(APC):c.6850C>T (p.Pro2284Ser)

Gene: APC (APC regulator of Wnt signaling pathway; plus strand). Cytogenetic location: 5q22.2.
Variant type: single nucleotide variant.
Coding change: c.6850C>T on transcript NM_000038.6 (MANE Select); coding-DNA position 6850, C replaced by T.
Protein change: p.Pro2284Ser; replaces proline 2284 with serine.
Molecular consequence: missense variant.
Genome position (GRCh38, 1-based): chr5:112,842,444, C>T. VCF-style: chr5-112842444-C-T. GRCh37 (hg19) VCF-style: chr5-112178141-C-T.
Other names: c.6880C>T, p.Pro2294Ser (NM_001354897.2); c.6775C>T, p.Pro2259Ser (NM_001354898.2); c.6766C>T, p.Pro2256Ser (NM_001354899.2); c.6727C>T, p.Pro2243Ser (NM_001354900.2); c.6673C>T, p.Pro2225Ser (NM_001354901.2); c.6577C>T, p.Pro2193Ser (NM_001354902.2); c.6547C>T, p.Pro2183Ser (NM_001354903.2); c.6472C>T, p.Pro2158Ser (NM_001354904.2); and 5 more; short protein forms P2284S, P2266S, P2158S, P2183S, P2225S, P2243S, P2294S, P2302S.
Identifiers: ClinVar variation 575464 (VCV000575464.17), dbSNP rs1554087789, ClinGen allele CA16036287.

ClinVar aggregate classification (germline): Uncertain significance. Review status: criteria provided, multiple submitters, no conflicts (2 of 4 stars). 3 submissions from 3 submitters: Uncertain significance (3). Last evaluated 2025-08-30.

Conditions:
Hereditary cancer-predisposing syndrome. Also called: Tumor predisposition; Hereditary neoplastic syndrome; Hereditary Cancer Syndrome; Neoplastic Syndromes, Hereditary. Identifiers: Orphanet 140162, MedGen C0027672, MeSH D009386, MONDO:0015356.
Familial adenomatous polyposis 1 (FAP1). Also called: POLYPOSIS, ADENOMATOUS INTESTINAL; FAMILIAL ADENOMATOUS POLYPOSIS 1, ATTENUATED. Identifiers: MedGen C2713442, MONDO:0021056, OMIM 175100. Disease mechanism: loss of function.

Submissions (3):

Labcorp Genetics (formerly Invitae), Labcorp
Classification: Uncertain significance for Familial adenomatous polyposis 1. Last evaluated: 2025-08-30. Review status: criteria provided, single submitter. Criteria: Invitae Variant Classification Sherloc (09022015). Collection method: clinical testing. Allele origin: germline.
Comment: This sequence change replaces proline, which is neutral and non-polar, with serine, which is neutral and polar, at codon 2284 of the APC protein (p.Pro2284Ser). This variant is not present in population databases (gnomAD no frequency). This variant has not been reported in the literature in individuals affected with APC-related conditions. ClinVar contains an entry for this variant (Variation ID: 575464). Invitae Evidence Modeling of protein sequence and biophysical properties (such as structural, functional, and spatial information, amino acid conservation, physicochemical variation, residue mobility, and thermodynamic stability) indicates that this missense variant is not expected to disrupt APC protein function with a negative predictive value of 95%. In summary, the available evidence is currently insufficient to determine the role of this variant in disease. Therefore, it has been classified as a Variant of Uncertain Significance.

Ambry Genetics
Classification: Uncertain significance for Hereditary cancer-predisposing syndrome. Last evaluated: 2025-04-08. Review status: criteria provided, single submitter. Criteria: Ambry Variant Classification Scheme 2023. Collection method: clinical testing. Allele origin: germline.
Comment: The p.P2284S variant (also known as c.6850C>T), located in coding exon 15 of the APC gene, results from a C to T substitution at nucleotide position 6850. The proline at codon 2284 is replaced by serine, an amino acid with similar properties. This amino acid position is well conserved in available vertebrate species. In addition, in silico predictors for this gene do not accurately predict pathogenicity. Since supporting evidence is limited at this time, the clinical significance of this alteration remains unclear.

Baylor Genetics
Classification: Uncertain significance for Familial adenomatous polyposis 1. Last evaluated: 2024-03-28. Review status: criteria provided, single submitter. Criteria: ACMG Guidelines, 2015. Collection method: clinical testing. Allele origin: unknown.